The following is an entry in ClinVar:

ClinVar aggregate classification (germline): Conflicting classifications of pathogenicity. Review status: criteria provided, conflicting classifications (1 of 4 stars). 4 submissions from 4 submitters: Uncertain significance (1); Benign (2); Likely benign (1). Last evaluated 2025-10-01.

Conditions:
Inborn genetic diseases. Identifiers: MedGen C0950123, MeSH D030342.

Submissions (4):

CeGaT Center for Human Genetics Tuebingen
Classification: Benign. Last evaluated: 2025-10-01. Review status: criteria provided, single submitter. Criteria: CeGaT Center For Human Genetics Tuebingen Variant Classification Criteria Version 2. Collection method: clinical testing. Allele origin: germline. Affected: yes. Observed: 4 variant alleles.
Comment: ZSWIM6: BS1, BS2

Blueprint Genetics
Classification: Benign. Last evaluated: 2024-08-26. Review status: criteria provided, single submitter. Criteria: ACMG Guidelines, 2015. Collection method: clinical testing. Allele origin: germline.

Labcorp Genetics (formerly Invitae), Labcorp
Classification: Uncertain significance. Last evaluated: 2023-07-07. Review status: criteria provided, single submitter. Criteria: Invitae Variant Classification Sherloc (09022015). Collection method: clinical testing. Allele origin: germline.
Comment: This variant, c.163_168del, results in the deletion of 2 amino acid(s) of the ZSWIM6 protein (p.Ala55_Ala56del), but otherwise preserves the integrity of the reading frame. The frequency data for this variant in the population databases is considered unreliable, as metrics indicate poor data quality at this position in the gnomAD database. This variant has not been reported in the literature in individuals affected with ZSWIM6-related conditions. ClinVar contains an entry for this variant (Variation ID: 1369649). Experimental studies and prediction algorithms are not available or were not evaluated, and the functional significance of this variant is currently unknown. In summary, the available evidence is currently insufficient to determine the role of this variant in disease. Therefore, it has been classified as a Variant of Uncertain Significance.

Ambry Genetics
Classification: Likely benign for Inborn genetic diseases. Last evaluated: 2022-08-24. Review status: criteria provided, single submitter. Criteria: Ambry Variant Classification Scheme 2023. Collection method: clinical testing. Allele origin: germline.

NM_020928.2(ZSWIM6):c.151GCG[4] (p.Ala55_Ala56del)

Gene: ZSWIM6 (zinc finger SWIM-type containing 6; plus strand). Cytogenetic location: 5q12.1.
Variant type: Microsatellite.
Coding change: c.151GCG[4] on transcript NM_020928.2 (MANE Select); four copies in a row of the 3-base unit GCG starting at c.151; the reference has six copies in a row; two copies, 6 bases deleted.
Protein change: p.Ala55_Ala56del.
Molecular consequence: inframe deletion.
Genome position (GRCh38, 1-based): chr5:61,332,435-61,332,440, GCGGCG deleted; deleting any 6 consecutive bases within chr5:61,332,423-61,332,440 gives the same sequence; the position shown is the placement nearest the transcript's 3' end. VCF-style (leftmost placement, unchanged base first): chr5-61332422-CGCGGCG-C. GRCh37 (hg19) VCF-style: chr5-60628249-CGCGGCG-C.
Other names: c.163_168delGCGGCG (NM_020928.1).
Identifiers: ClinVar variation 1369649 (VCV001369649.31), dbSNP rs779283808, ClinGen allele CA3278277.